The following is an entry in ClinVar:

NM_001033044.4(GLUL):c.-14+913G>C

Gene: GLUL (glutamate-ammonia ligase; minus strand). Cytogenetic location: 1q25.3.
Variant type: single nucleotide variant.
Coding change: c.-14+913G>C on transcript NM_001033044.4 (MANE Select); 913 bases into the intron after 14 bases upstream of the start codon, G replaced by C.
Molecular consequence: intron variant. On other transcripts: 5 prime UTR variant (1).
Genome position (GRCh38, 1-based): chr1:182,390,766, C>G on the plus strand (G>C on the coding strand, the complement: GLUL is on the minus strand). VCF-style: chr1-182390766-C-G. GRCh37 (hg19) VCF-style: chr1-182359901-C-G.
Other names: c.-283G>C (NM_002065.7); c.-14+409G>C (NM_001033056.4).
Identifiers: ClinVar variation 2639616 (VCV002639616.24), dbSNP rs530658203, ClinGen allele CA33835586.
Genomic context (GRCh38, chr1:182,390,766, plus strand): 5'-GACTCGAGATCTCTCCCCGGAGTTCACAGAGTAGGCGACGAAGCCGAAGCAGCTGGAGCG[C>G]GACCCGGAGGAGTCTGACTTCTCGTTGTCTTCATAATTTTCATTCGTTGCTTTCTTCGTG-3'

ClinVar aggregate classification (germline): Likely benign (1 of 4 stars; one submission).

Allele frequency attached by ClinVar (database versions not stated): TOPMed 0.00010; gnomAD 0.00015; 1000 Genomes Project 0.00020; gnomAD exomes 0.00022; 1000 Genomes Project 30x 0.00031.
gnomAD v4.1: 74 of 399,132 alleles (0.019%); highest among the groups gnomAD compares: Non-Finnish European, 0.031%; no homozygotes.

Submission:

CeGaT Center for Human Genetics Tuebingen
Classification: Likely benign. Last evaluated: 2022-10-01. Review status: criteria provided, single submitter. Criteria: CeGaT Center For Human Genetics Tuebingen Variant Classification Criteria Version 2. Collection method: clinical testing. Allele origin: germline. Affected: yes. Observed: 1 variant allele.
Comment: GLUL: BP4, BP7